The following is an entry in ClinVar:

ClinVar aggregate classification (germline): Uncertain significance (1 of 4 stars; one submission).

Submission:

GeneDx
Classification: Uncertain significance. Last evaluated: 2024-04-17. Review status: criteria provided, single submitter. Criteria: GeneDx Variant Classification Process June 2021. Collection method: clinical testing. Allele origin: germline. Affected: yes.
Comment: Not observed at significant frequency in large population cohorts (gnomAD); In silico analysis supports a deleterious effect on protein structure/function; Has not been previously published as pathogenic or benign to our knowledge

NM_004247.4(EFTUD2):c.1093_1094delinsAA (p.Ser365Asn)

Gene: EFTUD2 (elongation factor Tu GTP binding domain containing 2; minus strand). Cytogenetic location: 17q21.31.
Variant type: Indel.
Coding change: c.1093_1094delinsAA on transcript NM_004247.4 (MANE Select); coding-DNA positions 1093 to 1094, TC replaced by AA.
Protein change: p.Ser365Asn; replaces serine 365 with asparagine.
Molecular consequence: missense variant.
Genome position (GRCh38, 1-based): chr17:44,867,862-44,867,863, GA replaced by TT on the plus strand (TC replaced by AA on the coding strand, the reverse complement: EFTUD2 is on the minus strand). VCF-style: chr17-44867862-GA-TT. GRCh37 (hg19) VCF-style: chr17-42945230-GA-TT.
Other names: c.988_989delinsAA, p.Ser330Asn (NM_001142605.2); c.1093_1094delinsAA, p.Ser365Asn (NM_001258353.2); c.1063_1064delinsAA, p.Ser355Asn (NM_001258354.2); short protein forms S330N, S355N, S365N.
Identifiers: ClinVar variation 3372730 (VCV003372730.1).